The following is an entry in ClinVar:

ClinVar aggregate classification (germline): Uncertain significance (1 of 4 stars; one submission).

Conditions:
Developmental and epileptic encephalopathy, 1 (DEE1). Also called: X-linked infantile spasms; West's syndrome; Tonic spasms with clustering, arrest of psychomotor development and hypsarrhythmia on EEG; X-Linked Infantile Spasm Syndrome; OHTAHARA SYNDROME, X-LINKED; Epileptic encephalopathy, early infantile, 1. Identifiers: MedGen C3463992, MONDO:0010632, OMIM 308350. Disease mechanism: loss of function.
Intellectual disability, X-linked, with or without seizures, ARX-related. Also called: INTELLECTUAL DEVELOPMENTAL DISORDER, X-LINKED 29; Mental retardation, X-linked 52; MENTAL RETARDATION, X-LINKED 29; MENTAL RETARDATION, X-LINKED 32; MENTAL RETARDATION, X-LINKED 33; MENTAL RETARDATION, X-LINKED 38. Identifiers: Orphanet 777, MedGen C0796244, MONDO:0010317, OMIM 300419.

Submission:

Labcorp Genetics (formerly Invitae), Labcorp
Classification: Uncertain significance for Developmental and epileptic encephalopathy, 1; Intellectual disability, X-linked, with or without seizures, ARX-related. Last evaluated: 2023-06-18. Review status: criteria provided, single submitter. Criteria: Invitae Variant Classification Sherloc (09022015). Collection method: clinical testing. Allele origin: germline.
Comment: This variant has not been reported in the literature in individuals affected with ARX-related conditions. Advanced modeling of protein sequence and biophysical properties (such as structural, functional, and spatial information, amino acid conservation, physicochemical variation, residue mobility, and thermodynamic stability) has been performed at Invitae for this missense variant, however the output from this modeling did not meet the statistical confidence thresholds required to predict the impact of this variant on ARX protein function. In summary, the available evidence is currently insufficient to determine the role of this variant in disease. Therefore, it has been classified as a Variant of Uncertain Significance. This variant is not present in population databases (gnomAD no frequency). This sequence change replaces isoleucine, which is neutral and non-polar, with valine, which is neutral and non-polar, at codon 29 of the ARX protein (p.Ile29Val).

NM_139058.3(ARX):c.85A>G (p.Ile29Val)

Gene: ARX (aristaless related homeobox; minus strand). Cytogenetic location: Xp21.3.
Variant type: single nucleotide variant.
Coding change: c.85A>G on transcript NM_139058.3 (MANE Select); coding-DNA position 85, A replaced by G.
Protein change: p.Ile29Val; replaces isoleucine 29 with valine.
Molecular consequence: missense variant.
Genome position (GRCh38, 1-based): chrX:25,015,653, T>C on the plus strand (A>G on the coding strand, the complement: ARX is on the minus strand). VCF-style: chrX-25015653-T-C. GRCh37 (hg19) VCF-style: chrX-25033770-T-C.
Other names: short protein forms I29V.
Identifiers: ClinVar variation 2948999 (VCV002948999.3), dbSNP rs2519109262, ClinGen allele CA412613929.